The following is an entry in ClinVar:

NM_001165963.4(SCN1A):c.3706-146C>G

Genes: SCN1A (sodium voltage-gated channel alpha subunit 1; minus strand), LOC102724058 (uncharacterized LOC102724058; plus strand). Cytogenetic location: 2q24.3.
Variant type: single nucleotide variant.
Coding change: c.3706-146C>G on transcript NM_001165963.4 (MANE Select); 146 bases into the intron before coding-DNA position 3706, C replaced by G.
Molecular consequence: intron variant.
Genome position (GRCh38, 1-based): chr2:166,012,428, G>C on the plus strand (C>G on the coding strand, the complement: SCN1A is on the minus strand). VCF-style: chr2-166012428-G-C. GRCh37 (hg19) VCF-style: chr2-166868938-G-C.
Other names: c.3673-146C>G (NM_001353949.2, NM_001353950.2, NM_001353951.2 and 2 more transcripts); c.3622-146C>G (NM_001353958.2, NM_001353957.2, NM_001165964.3); c.3706-146C>G (NM_001202435.3, NM_001353948.2); c.3670-146C>G (NM_001353955.2, NM_001353954.2); c.3619-146C>G (NM_001353960.2); c.1264-146C>G (NM_001353961.2).
Identifiers: ClinVar variation 677451 (VCV000677451.2), dbSNP rs115294408, ClinGen allele CA59774131.

ClinVar aggregate classification (germline): Likely benign. Review status: criteria provided, multiple submitters, no conflicts (2 of 4 stars). 2 submissions from 2 submitters: Likely benign (2). Last evaluated 2018-06-14.

Allele frequency attached by ClinVar (database versions not stated): gnomAD 0.01059 and 0.01136; TOPMed 0.01173; 1000 Genomes Project 0.01218; 1000 Genomes Project 30x 0.01218.
gnomAD v4.1: 2,273 of 634,380 alleles (0.36%); highest among the groups gnomAD compares: African/African-American, 3.4%; 40 homozygotes.

Submissions (2):

GeneDx
Classification: Likely benign. Last evaluated: 2018-06-14. Review status: criteria provided, single submitter. Criteria: GeneDx Variant Classification (06012015). Collection method: clinical testing. Allele origin: germline. Affected: yes.
Comment: This variant is considered likely benign or benign based on one or more of the following criteria: it is a conservative change, it occurs at a poorly conserved position in the protein, it is predicted to be benign by multiple in silico algorithms, and/or has population frequency not consistent with disease.

Breakthrough Genomics
Classification: Likely benign. Review status: criteria provided, single submitter. Criteria: ACMG Guidelines, 2015. Collection method: not provided. Allele origin: germline. Inheritance: Autosomal dominant inheritance. Affected: yes.